The following is an entry in ClinVar:

ClinVar aggregate classification (germline): Likely benign. Review status: reviewed by expert panel (3 of 4 stars). 7 submissions from 7 submitters: Likely benign (1). 6 of the submissions do not count toward it. Last evaluated 2017-06-29.

Conditions:
Hereditary cancer-predisposing syndrome. Also called: Hereditary neoplastic syndrome; Hereditary Cancer Syndrome; Neoplastic Syndromes, Hereditary; Tumor predisposition. Identifiers: Orphanet 140162, MedGen C0027672, MeSH D009386, MONDO:0015356.
Hereditary breast ovarian cancer syndrome. Also called: Hereditary breast and ovarian cancer syndrome; BRCA1- and BRCA2-Associated Hereditary Breast and Ovarian Cancer; Hereditary breast and/or ovarian cancer syndrome; Hereditary breast and ovarian cancer; Breast and ovarian cancer; Hereditary breast and ovarian cancer syndrome (HBOC). Identifiers: Orphanet 145, MedGen C0677776, MeSH D061325, MONDO:0003582. Disease mechanism: loss of function.
Breast-ovarian cancer, familial, susceptibility to, 2 (BROVCA2). Also called: BRCA2 Hereditary Breast and Ovarian Cancer. Identifiers: Orphanet 145, MedGen C2675520, MONDO:0012933, OMIM 612555. Disease mechanism: loss of function.

Allele frequency attached by ClinVar (database versions not stated): TOPMed 0.00001.
gnomAD v4.1: 5 of 1,611,744 alleles (0.00031%); highest among the groups gnomAD compares: East Asian, 0.011%; no homozygotes.

Submissions (7):

Evidence-based Network for the Interpretation of Germline Mutant Alleles (ENIGMA)
Classification: Likely benign for Breast-ovarian cancer, familial, susceptibility to, 2. Last evaluated: 2017-06-29. Review status: reviewed by expert panel. Criteria: ENIGMA BRCA1/2 Classification Criteria (2017-06-29). Collection method: curation. Allele origin: germline.
Comment: Synonymous substitution variant, with low bioinformatic likelihood to result in a splicing aberration (Splicing prior probability 0.02).

Labcorp Genetics (formerly Invitae), Labcorp
Classification: Benign for Hereditary breast ovarian cancer syndrome. Last evaluated: 2026-01-20. Review status: criteria provided, single submitter. Criteria: Invitae Variant Classification Sherloc (09022015). Collection method: clinical testing. Allele origin: germline. Not counted in ClinVar's aggregate classification.

Ambry Genetics
Classification: Likely benign for Hereditary cancer-predisposing syndrome. Last evaluated: 2023-12-12. Review status: criteria provided, single submitter. Criteria: Ambry Variant Classification Scheme 2023. Collection method: clinical testing. Allele origin: germline. Not counted in ClinVar's aggregate classification.

All of Us Research Program, National Institutes of Health
Classification: Likely benign for Breast-ovarian cancer, familial, susceptibility to, 2. Last evaluated: 2023-10-02. Review status: criteria provided, single submitter. Criteria: ACMG Guidelines, 2015. Collection method: clinical testing. Allele origin: germline. Inheritance: Autosomal dominant inheritance. Observed: 2 variant alleles, 2 heterozygotes. Not counted in ClinVar's aggregate classification.
Comment: This study involves interpretation of variants in research participants for the purpose of population health screening. Participant phenotype was not available at the time of variant classification. Additional details can be found in publication PMID: 35346344, PMCID: PMC8962531

Quest Diagnostics Nichols Institute San Juan Capistrano
Classification: Likely benign. Last evaluated: 2021-05-21. Review status: criteria provided, single submitter. Criteria: Quest Diagnostics criteria. Collection method: clinical testing. Allele origin: unknown. Not counted in ClinVar's aggregate classification.

Women's Health and Genetics/Laboratory Corporation of America, LabCorp
Classification: Likely benign. Last evaluated: 2019-08-21. Review status: criteria provided, single submitter. Criteria: LabCorp Variant Classification Summary - May 2015. Collection method: clinical testing. Allele origin: germline. Not counted in ClinVar's aggregate classification.

Color Diagnostics, LLC DBA Color Health
Classification: Likely benign for Hereditary cancer-predisposing syndrome. Last evaluated: 2017-01-12. Review status: criteria provided, single submitter. Criteria: ACMG Guidelines, 2015. Collection method: clinical testing. Allele origin: germline. Not counted in ClinVar's aggregate classification.

Literature cited by the submitters: PubMed 30287823 (cited by Quest Diagnostics Nichols Institute San Juan Capistrano).

NM_000059.4(BRCA2):c.5529A>T (p.Ala1843=)

Gene: BRCA2 (BRCA2 DNA repair associated; plus strand). Cytogenetic location: 13q13.1.
Variant type: single nucleotide variant.
Coding change: c.5529A>T on transcript NM_000059.4 (MANE Select); coding-DNA position 5529, A replaced by T.
Protein change: p.Ala1843=; no amino-acid change (alanine 1843 retained).
Molecular consequence: synonymous variant.
Genome position (GRCh38, 1-based): chr13:32,339,884, A>T. VCF-style: chr13-32339884-A-T. GRCh37 (hg19) VCF-style: chr13-32914021-A-T.
Identifiers: ClinVar variation 427484 (VCV000427484.23), dbSNP rs372951842, ClinGen allele CA6940883.